The following is an entry in ClinVar:

NM_000548.5(TSC2):c.1716+10C>G

Gene: TSC2 (TSC complex subunit 2; plus strand). Cytogenetic location: 16p13.3.
Variant type: single nucleotide variant.
Coding change: c.1716+10C>G on transcript NM_000548.5 (MANE Select); 10 bases into the intron after coding-DNA position 1716, C replaced by G.
Molecular consequence: intron variant.
Genome position (GRCh38, 1-based): chr16:2,065,645, C>G. VCF-style: chr16-2065645-C-G. GRCh37 (hg19) VCF-style: chr16-2115646-C-G.
Other names: c.1716+10C>G (NM_001114382.3, NM_021055.3, NM_001370405.1 and 3 more transcripts); c.1605+10C>G (NM_001318827.2); c.1116+10C>G (NM_001318831.2); c.1569+10C>G (NM_001318829.2); c.1749+10C>G (NM_001318832.2).
Identifiers: ClinVar variation 703398 (VCV000703398.13), dbSNP rs45464995, ClinGen allele CA492948068.

ClinVar aggregate classification (germline): Likely benign. Review status: criteria provided, multiple submitters, no conflicts (2 of 4 stars). 2 submissions from 2 submitters: Likely benign (2). Last evaluated 2025-12-13.

Conditions:
Tuberous sclerosis 2 (TSC2). Identifiers: Orphanet 805, MedGen C1860707, MONDO:0013199, OMIM 613254.

Allele frequency attached by ClinVar (database versions not stated): gnomAD exomes below 0.00001; gnomAD 0.00001.
gnomAD v4.1: 4 of 1,610,902 alleles (0.00025%); highest among the groups gnomAD compares: Middle Eastern, 0.017%; no homozygotes.

Submissions (2):

Labcorp Genetics (formerly Invitae), Labcorp
Classification: Likely benign for Tuberous sclerosis 2. Last evaluated: 2025-12-13. Review status: criteria provided, single submitter. Criteria: Invitae Variant Classification Sherloc (09022015). Collection method: clinical testing. Allele origin: germline.

Myriad Genetics, Inc.
Classification: Likely benign for Tuberous sclerosis 2. Last evaluated: 2025-05-15. Review status: criteria provided, single submitter. Criteria: Myriad Autosomal Dominant, Autosomal Recessive and X-Linked Classification Criteria (2023). Collection method: clinical testing. Allele origin: unknown.
Comment: This variant is considered likely benign. This variant is intronic and is not expected to impact mRNA splicing.